The following is an entry in ClinVar:

ClinVar aggregate classification (germline): Uncertain significance (1 of 4 stars; one submission).

Conditions:
Chédiak-Higashi syndrome (CHS). Also called: Chediak-Higashi Syndrome. Identifiers: Orphanet 167, MedGen C0007965, MONDO:0008963, OMIM 214500.

Allele frequency attached by ClinVar (database versions not stated): gnomAD exomes below 0.00001; ExAC 0.00001; gnomAD 0.00001; TOPMed 0.00001.
gnomAD v4.1: 6 of 1,613,590 alleles (0.00037%); highest among the groups gnomAD compares: East Asian, 0.011%; no homozygotes.

Submission:

Labcorp Genetics (formerly Invitae), Labcorp
Classification: Uncertain significance for Chédiak-Higashi syndrome. Last evaluated: 2022-08-16. Review status: criteria provided, single submitter. Criteria: Invitae Variant Classification Sherloc (09022015). Collection method: clinical testing. Allele origin: germline.
Comment: This sequence change replaces glutamine, which is neutral and polar, with arginine, which is basic and polar, at codon 2554 of the LYST protein (p.Gln2554Arg). This variant is present in population databases (rs758045352, gnomAD 0.03%). This variant has not been reported in the literature in individuals affected with LYST-related conditions. ClinVar contains an entry for this variant (Variation ID: 933728). Algorithms developed to predict the effect of missense changes on protein structure and function (SIFT, PolyPhen-2, Align-GVGD) all suggest that this variant is likely to be tolerated. In summary, the available evidence is currently insufficient to determine the role of this variant in disease. Therefore, it has been classified as a Variant of Uncertain Significance.

NM_000081.4(LYST):c.7661A>G (p.Gln2554Arg)

Gene: LYST (lysosomal trafficking regulator; minus strand). Cytogenetic location: 1q42.3.
Variant type: single nucleotide variant.
Coding change: c.7661A>G on transcript NM_000081.4 (MANE Select); coding-DNA position 7661, A replaced by G.
Protein change: p.Gln2554Arg; replaces glutamine 2554 with arginine.
Molecular consequence: missense variant.
Genome position (GRCh38, 1-based): chr1:235,751,329, T>C on the plus strand (A>G on the coding strand, the complement: LYST is on the minus strand). VCF-style: chr1-235751329-T-C. GRCh37 (hg19) VCF-style: chr1-235914629-T-C.
Other names: c.7661A>G, p.Gln2554Arg (NM_001301365.1); short protein forms Q2554R.
Identifiers: ClinVar variation 933728 (VCV000933728.3), dbSNP rs758045352, ClinGen allele CA1466076.